The following is an entry in ClinVar:

NM_002473.6(MYH9):c.3361G>A (p.Glu1121Lys)

Gene: MYH9 (myosin heavy chain 9; minus strand). Cytogenetic location: 22q12.3.
Variant type: single nucleotide variant.
Coding change: c.3361G>A on transcript NM_002473.6 (MANE Select); coding-DNA position 3361, G replaced by A.
Protein change: p.Glu1121Lys; replaces glutamic acid 1121 with lysine.
Molecular consequence: missense variant.
Genome position (GRCh38, 1-based): chr22:36,295,629, C>T on the plus strand (G>A on the coding strand, the complement: MYH9 is on the minus strand). VCF-style: chr22-36295629-C-T. GRCh37 (hg19) VCF-style: chr22-36691675-C-T.
Other names: short protein forms E1121K.
Identifiers: ClinVar variation 5017775 (VCV005017775.1).

ClinVar aggregate classification (germline): Uncertain significance (1 of 4 stars; one submission).

Submission:

GeneDx
Classification: Uncertain significance. Last evaluated: 2026-04-05. Review status: criteria provided, single submitter. Criteria: GeneDx Variant Classification Process June 2021. Collection method: clinical testing. Allele origin: germline.
Comment: Not observed at significant frequency in large population cohorts (gnomAD); In silico analysis supports that this missense variant has a deleterious effect on protein structure/function; Has not been previously published as pathogenic or benign to our knowledge